The following is an entry in ClinVar:

ClinVar aggregate classification (germline): Uncertain significance (1 of 4 stars; one submission).

Conditions:
Imerslund-Grasbeck syndrome. Also called: ENTEROCYTE COBALAMIN MALABSORPTION; ENTEROCYTE INTRINSIC FACTOR RECEPTOR, DEFECT OF; PERNICIOUS ANEMIA, JUVENILE, DUE TO SELECTIVE INTESTINAL MALABSORPTION OF VITAMIN B12, WITH PROTEINURIA; Imerslund-Gräsbeck syndrome; Megaloblastic anemia due to inborn errors of metabolism. Identifiers: Orphanet 35858, MedGen C4551825, MONDO:0009853.

Allele frequency attached by ClinVar (database versions not stated): gnomAD 0.00001; gnomAD exomes 0.00002; TOPMed 0.00002; ExAC 0.00006; ESP Exome Variant Server 0.00008.
gnomAD v4.1: 33 of 1,613,838 alleles (0.002%); highest among the groups gnomAD compares: East Asian, 0.0067%; no homozygotes.

Submission:

Labcorp Genetics (formerly Invitae), Labcorp
Classification: Uncertain significance for Imerslund-Grasbeck syndrome. Last evaluated: 2023-12-11. Review status: criteria provided, single submitter. Criteria: Invitae Variant Classification Sherloc (09022015). Collection method: clinical testing. Allele origin: germline.
Comment: This sequence change replaces arginine, which is basic and polar, with histidine, which is basic and polar, at codon 1576 of the CUBN protein (p.Arg1576His). This variant is present in population databases (rs201923548, gnomAD 0.02%). This variant has not been reported in the literature in individuals affected with CUBN-related conditions. ClinVar contains an entry for this variant (Variation ID: 1935570). Algorithms developed to predict the effect of missense changes on protein structure and function output the following: SIFT: "Not Available"; PolyPhen-2: "Benign"; Align-GVGD: "Not Available". The histidine amino acid residue is found in multiple mammalian species, which suggests that this missense change does not adversely affect protein function. In summary, the available evidence is currently insufficient to determine the role of this variant in disease. Therefore, it has been classified as a Variant of Uncertain Significance.

NM_001081.4(CUBN):c.4727G>A (p.Arg1576His)

Gene: CUBN (cubilin; minus strand). Cytogenetic location: 10p13.
Variant type: single nucleotide variant.
Coding change: c.4727G>A on transcript NM_001081.4 (MANE Select); coding-DNA position 4727, G replaced by A.
Protein change: p.Arg1576His; replaces arginine 1576 with histidine.
Molecular consequence: missense variant.
Genome position (GRCh38, 1-based): chr10:16,954,517, C>T on the plus strand (G>A on the coding strand, the complement: CUBN is on the minus strand). VCF-style: chr10-16954517-C-T. GRCh37 (hg19) VCF-style: chr10-16996516-C-T.
Other names: short protein forms R1576H.
Identifiers: ClinVar variation 1935570 (VCV001935570.3), dbSNP rs201923548, ClinGen allele CA5424270.